The following is an entry in ClinVar:

NM_000215.4(JAK3):c.97C>A (p.Arg33=)

Gene: JAK3 (Janus kinase 3; minus strand). Cytogenetic location: 19p13.11.
Variant type: single nucleotide variant.
Coding change: c.97C>A on transcript NM_000215.4 (MANE Select); coding-DNA position 97, C replaced by A.
Protein change: p.Arg33=; no amino-acid change (arginine 33 retained).
Molecular consequence: synonymous variant.
Genome position (GRCh38, 1-based): chr19:17,844,321, G>T on the plus strand (C>A on the coding strand, the complement: JAK3 is on the minus strand). VCF-style: chr19-17844321-G-T. GRCh37 (hg19) VCF-style: chr19-17955130-G-T.
Identifiers: ClinVar variation 2957736 (VCV002957736.5), dbSNP rs565783591, ClinGen allele CA9302268.

ClinVar aggregate classification (germline): Likely benign. Review status: criteria provided, single submitter (1 of 4 stars). 2 submissions from 2 submitters: Likely benign (1). 1 of the submissions does not count toward it. Last evaluated 2023-12-19.

Conditions:
JAK3-related disorder. Also called: JAK3-related condition.
T-B+ severe combined immunodeficiency due to JAK3 deficiency. Also called: SCID, T CELL-NEGATIVE, B CELL-POSITIVE, NK CELL-NEGATIVE; SCID, autosomal recessive, T-negative/B-positive type. Identifiers: Orphanet 35078, MedGen C1833275, MONDO:0010938, OMIM 600802.

gnomAD v4.1: 3 of 1,610,136 alleles (0.00019%); highest among the groups gnomAD compares: Admixed American, 0.0017%; no homozygotes.

Submissions (2):

Labcorp Genetics (formerly Invitae), Labcorp
Classification: Likely benign for T-B+ severe combined immunodeficiency due to JAK3 deficiency. Last evaluated: 2023-12-19. Review status: criteria provided, single submitter. Criteria: Invitae Variant Classification Sherloc (09022015). Collection method: clinical testing. Allele origin: germline.

PreventionGenetics, part of Exact Sciences
Classification: Likely benign for JAK3-related condition. Last evaluated: 2020-10-16. Review status: no assertion criteria provided. Collection method: clinical testing. Allele origin: germline. Not counted in ClinVar's aggregate classification.
Comment: This variant is classified as likely benign based on ACMG/AMP sequence variant interpretation guidelines (Richards et al. 2015 PMID: 25741868, with internal and published modifications).